The following is an entry in ClinVar:

ClinVar aggregate classification (germline): Pathogenic. Review status: criteria provided, single submitter (1 of 4 stars). 2 submissions from 2 submitters: Pathogenic (1). 1 of the submissions does not count toward it. Last evaluated 2024-02-19.

Conditions:
Mitochondrial neurogastrointestinal encephalomyopathy. Also called: MNGIE syndrome; Thymidine phosphorylase deficiency; Mitochondrial neurogastrointestinal encephalopathy syndrome. Identifiers: Orphanet 298, MedGen C0872218, MONDO:0017575.

Submissions (2):

Labcorp Genetics (formerly Invitae), Labcorp
Classification: Pathogenic. Last evaluated: 2024-02-19. Review status: criteria provided, single submitter. Criteria: Invitae Variant Classification Sherloc (09022015). Collection method: clinical testing. Allele origin: germline.
Comment: This sequence change results in a frameshift in the TYMP gene (p.Ala348Glyfs*?). While this is not anticipated to result in nonsense mediated decay, it is expected to disrupt the last 135 amino acid(s) of the TYMP protein and extend the protein by an uncertain number of additional amino acid residues. This variant is not present in population databases (gnomAD no frequency). This variant has not been reported in the literature in individuals affected with TYMP-related conditions. ClinVar contains an entry for this variant (Variation ID: 658290). Experimental studies and prediction algorithms are not available or were not evaluated, and the functional significance of this variant is currently unknown. This variant results in an extension of the TYMP protein. Other variant(s) that result in a similarly extended protein product (p.Asp443Profs*?) have been determined to be pathogenic (PMID: 16198108; Invitae). This suggests that these extensions are likely to be disease-causing. For these reasons, this variant has been classified as Pathogenic.

Natera, Inc.
Classification: Likely pathogenic for Mitochondrial neurogastrointestinal encephalomyopathy. Last evaluated: 2021-05-05. Review status: no assertion criteria provided. Collection method: clinical testing. Allele origin: germline. Not counted in ClinVar's aggregate classification.

Literature cited by the submitters: PubMed 16198108 (cited by Labcorp Genetics (formerly Invitae), Labcorp).

NM_001953.5(TYMP):c.1040dup (p.Ala348fs)

Genes: SCO2 (synthesis of cytochrome C oxidase 2; minus strand), TYMP (thymidine phosphorylase; minus strand), LOC130067862 (ATAC-STARR-seq lymphoblastoid silent region 13986; plus strand). Cytogenetic location: 22q13.33.
Variant type: Duplication.
Coding change: c.1040dup on transcript NM_001953.5 (MANE Select); coding-DNA position 1040, one base duplicated (T; older notation c.1040dupT).
Protein change: p.Ala348fs; shifts the reading frame from alanine 348.
Molecular consequence: frameshift variant. On other transcripts: 5 prime UTR variant (1).
Genome position (GRCh38, 1-based): chr22:50,526,365, A duplicated on the plus strand (T on the coding strand, the reverse complement: TYMP is on the minus strand). VCF-style (leftmost placement, unchanged base first): chr22-50526364-C-CA. GRCh37 (hg19) VCF-style: chr22-50964793-C-CA.
Other names: c.1040dup, p.Ala348fs (NM_001113755.3, NM_001113756.3, NM_001257988.1 and 1 more transcripts); c.-133dup (NM_001169109.2); short protein forms A348fs.
Identifiers: ClinVar variation 658290 (VCV000658290.12), dbSNP rs1603441848, ClinGen allele CA915952298.